The following is an entry in ClinVar:

ClinVar aggregate classification (germline): Likely benign. Review status: criteria provided, multiple submitters, no conflicts (2 of 4 stars). 2 submissions from 2 submitters: Likely benign (2). Last evaluated 2026-01-01.

gnomAD v4.1: 15 of 1,512,604 alleles (0.00099%); highest among the groups gnomAD compares: South Asian, 0.017%; no homozygotes.

Submissions (2):

CeGaT Center for Human Genetics Tuebingen
Classification: Likely benign. Last evaluated: 2026-01-01. Review status: criteria provided, single submitter. Criteria: CeGaT Center For Human Genetics Tuebingen Variant Classification Criteria Version 2. Collection method: clinical testing. Allele origin: germline. Affected: yes. Observed: 1 variant allele.
Comment: SRCAP: BP4, BP7

Labcorp Genetics (formerly Invitae), Labcorp
Classification: Likely benign. Last evaluated: 2025-06-25. Review status: criteria provided, single submitter. Criteria: Invitae Variant Classification Sherloc (09022015). Collection method: clinical testing. Allele origin: germline.

NM_006662.3(SRCAP):c.9663T>C (p.Val3221=)

Gene: SRCAP (Snf2 related CREBBP activator protein; plus strand). Cytogenetic location: 16p11.2.
Variant type: single nucleotide variant.
Coding change: c.9663T>C on transcript NM_006662.3 (MANE Select); coding-DNA position 9663, T replaced by C.
Protein change: p.Val3221=; no amino-acid change (valine 3221 retained).
Molecular consequence: synonymous variant.
Genome position (GRCh38, 1-based): chr16:30,739,703, T>C. VCF-style: chr16-30739703-T-C. GRCh37 (hg19) VCF-style: chr16-30751024-T-C.
Identifiers: ClinVar variation 4692070 (VCV004692070.5).
Genomic context (GRCh38, chr16:30,739,703, plus strand): 5'-CCAAGGGGACCAGCGCATCCTGCGCAGCAGCGCCCCTCCCTCCCTGGCTGGCCCTGCTGT[T>C]AGTCACAGAGGCCGCAAGGCCAAGACGTGAGTGGGCTGCCCCTCCACCTAGGCTTTCCAC-3'
Protein context (NP_006653.2, residues 3211-3230): SAPPSLAGPA[Val3221=]SHRGRKAKT